The following is an entry in ClinVar:

NM_014140.4(SMARCAL1):c.2128dup (p.Ile710fs)

Gene: SMARCAL1 (SNF2 related chromatin remodeling annealing helicase 1; plus strand). Cytogenetic location: 2q35.
Variant type: Duplication.
Coding change: c.2128dup on transcript NM_014140.4 (MANE Select); coding-DNA position 2128, one base duplicated (A; older notation c.2128dupA).
Protein change: p.Ile710fs; shifts the reading frame from isoleucine 710.
Molecular consequence: frameshift variant.
Genome position (GRCh38, 1-based): chr2:216,464,654, A duplicated; the last of 4 consecutive A bases (chr2:216,464,651-216,464,654); duplicating any one gives the same sequence. VCF-style (leftmost placement, unchanged base first): chr2-216464650-T-TA. GRCh37 (hg19) VCF-style: chr2-217329373-T-TA.
Other names: c.2128dup, p.Ile710fs (NM_001127207.2); short protein forms I710fs.
Identifiers: ClinVar variation 2128540 (VCV002128540.4), dbSNP rs2469032860, ClinGen allele CA2580065665.

ClinVar aggregate classification (germline): Pathogenic (1 of 4 stars; one submission).

Conditions:
Schimke immuno-osseous dysplasia (SIOD). Also called: Schimke Immunoosseous Dysplasia. Identifiers: Orphanet 1830, MedGen C0877024, MONDO:0009458, OMIM 242900.

Submission:

Labcorp Genetics (formerly Invitae), Labcorp
Classification: Pathogenic for Schimke immuno-osseous dysplasia. Last evaluated: 2022-04-20. Review status: criteria provided, single submitter. Criteria: Invitae Variant Classification Sherloc (09022015). Collection method: clinical testing. Allele origin: germline.
Comment: This sequence change creates a premature translational stop signal (p.Ile710Asnfs*6) in the SMARCAL1 gene. It is expected to result in an absent or disrupted protein product. Loss-of-function variants in SMARCAL1 are known to be pathogenic (PMID: 11799392, 20301550). This variant is not present in population databases (gnomAD no frequency). For these reasons, this variant has been classified as Pathogenic. This variant has not been reported in the literature in individuals affected with SMARCAL1-related conditions.

Literature cited by the submitters: PubMed 11799392; PubMed 20301550.